The following is an entry in ClinVar:

NM_004281.4(BAG3):c.359A>G (p.Gln120Arg)

Gene: BAG3 (BAG cochaperone 3; plus strand). Cytogenetic location: 10q26.11.
Variant type: single nucleotide variant.
Coding change: c.359A>G on transcript NM_004281.4 (MANE Select); coding-DNA position 359, A replaced by G.
Protein change: p.Gln120Arg; replaces glutamine 120 with arginine.
Molecular consequence: missense variant.
Genome position (GRCh38, 1-based): chr10:119,670,029, A>G. VCF-style: chr10-119670029-A-G. GRCh37 (hg19) VCF-style: chr10-121429541-A-G.
Other names: short protein forms Q120R.
Identifiers: ClinVar variation 2942522 (VCV002942522.3), dbSNP rs1847125036, ClinGen allele CA378294935.
Genomic context (GRCh38, chr10:119,670,029, plus strand): 5'-ATGAAGGCGCTGAGAACCGGCAGGTGCACCCTTTCCATGTCTATCCCCAGCCTGGGATGC[A>G]GCGATTCCGAACTGAGGCGGCAGCAGCGGCTCCTCAGAGGTCCCAGTCACCTCTGCGGGG-3'
Protein context (NP_004272.2, residues 110-130): PFHVYPQPGM[Gln120Arg]RFRTEAAAAA

ClinVar aggregate classification (germline): Uncertain significance (1 of 4 stars; one submission).

Conditions:
Dilated cardiomyopathy 1HH (CMD1HH). Identifiers: Orphanet 154, MedGen C3151293, MONDO:0013479, OMIM 613881.
Myofibrillar myopathy 6. Identifiers: Orphanet 199340, MedGen C2751831, MONDO:0013061, OMIM 612954.

Submission:

Labcorp Genetics (formerly Invitae), Labcorp
Classification: Uncertain significance for Dilated cardiomyopathy 1HH; Myofibrillar myopathy 6. Last evaluated: 2023-07-28. Review status: criteria provided, single submitter. Criteria: Invitae Variant Classification Sherloc (09022015). Collection method: clinical testing. Allele origin: germline.
Comment: In summary, the available evidence is currently insufficient to determine the role of this variant in disease. Therefore, it has been classified as a Variant of Uncertain Significance. Advanced modeling of protein sequence and biophysical properties (such as structural, functional, and spatial information, amino acid conservation, physicochemical variation, residue mobility, and thermodynamic stability) has been performed at Invitae for this missense variant, however the output from this modeling did not meet the statistical confidence thresholds required to predict the impact of this variant on BAG3 protein function. This variant has not been reported in the literature in individuals affected with BAG3-related conditions. This variant is not present in population databases (gnomAD no frequency). This sequence change replaces glutamine, which is neutral and polar, with arginine, which is basic and polar, at codon 120 of the BAG3 protein (p.Gln120Arg).